The following is an entry in ClinVar:

NM_015338.6(ASXL1):c.3802A>G (p.Thr1268Ala)

Gene: ASXL1 (ASXL transcriptional regulator 1; plus strand). Cytogenetic location: 20q11.21.
Variant type: single nucleotide variant.
Coding change: c.3802A>G on transcript NM_015338.6 (MANE Select); coding-DNA position 3802, A replaced by G.
Protein change: p.Thr1268Ala; replaces threonine 1268 with alanine.
Molecular consequence: missense variant.
Genome position (GRCh38, 1-based): chr20:32,436,514, A>G. VCF-style: chr20-32436514-A-G. GRCh37 (hg19) VCF-style: chr20-31024317-A-G.
Other names: c.3619A>G, p.Thr1207Ala (NM_001363734.1); short protein forms T1207A, T1268A.
Identifiers: ClinVar variation 4588298 (VCV004588298.1).

ClinVar aggregate classification (germline): Uncertain significance (1 of 4 stars; one submission).

Conditions:
Inborn genetic diseases. Identifiers: MedGen C0950123, MeSH D030342.

Submission:

Ambry Genetics
Classification: Uncertain significance for Inborn genetic diseases. Last evaluated: 2025-11-01. Review status: criteria provided, single submitter. Criteria: Ambry Variant Classification Scheme 2023. Collection method: clinical testing. Allele origin: germline.
Comment: The p.T1268A variant (also known as c.3802A>G), located in coding exon 13 of the ASXL1 gene, results from an A to G substitution at nucleotide position 3802. The threonine at codon 1268 is replaced by alanine, an amino acid with similar properties. This amino acid position is conserved. In addition, this alteration is predicted to be tolerated by in silico analysis. Based on the available evidence, the clinical significance of this variant remains unclear.